The following is an entry in ClinVar:

NM_001001331.4(ATP2B2):c.1155G>A (p.Val385=)

Gene: ATP2B2 (ATPase plasma membrane Ca2+ transporting 2; minus strand). Cytogenetic location: 3p25.3.
Variant type: single nucleotide variant.
Coding change: c.1155G>A on transcript NM_001001331.4 (MANE Select); coding-DNA position 1155, G replaced by A.
Protein change: p.Val385=; no amino-acid change (valine 385 retained).
Molecular consequence: synonymous variant.
Genome position (GRCh38, 1-based): chr3:10,378,298, C>T on the plus strand (G>A on the coding strand, the complement: ATP2B2 is on the minus strand). VCF-style: chr3-10378298-C-T. GRCh37 (hg19) VCF-style: chr3-10419982-C-T.
Other names: c.1020G>A, p.Val340= (NM_001330611.3, NM_001353564.1, NM_001363862.1 and 1 more transcripts).
Identifiers: ClinVar variation 747353 (VCV000747353.17), dbSNP rs142881365, ClinGen allele CA2253742.

ClinVar aggregate classification (germline): Likely benign. Review status: criteria provided, multiple submitters, no conflicts (2 of 4 stars). 4 submissions from 4 submitters: Likely benign (3). 1 of the submissions does not count toward it. Last evaluated 2025-10-01.

Conditions:
ATP2B2-related disorder. Also called: ATP2B2-related condition.

Allele frequency attached by ClinVar (database versions not stated): ESP Exome Variant Server 0.00015; ExAC 0.00016; gnomAD exomes 0.00018; TOPMed 0.00020; gnomAD 0.00023.
gnomAD v4.1: 464 of 1,609,668 alleles (0.029%); highest among the groups gnomAD compares: Non-Finnish European, 0.038%; no homozygotes.

Submissions (4):

CeGaT Center for Human Genetics Tuebingen
Classification: Likely benign. Last evaluated: 2025-10-01. Review status: criteria provided, single submitter. Criteria: CeGaT Center For Human Genetics Tuebingen Variant Classification Criteria Version 2. Collection method: clinical testing. Allele origin: germline. Affected: yes. Observed: 1 variant allele.
Comment: ATP2B2: BP4, BP7

Labcorp Genetics (formerly Invitae), Labcorp
Classification: Likely benign. Last evaluated: 2025-09-10. Review status: criteria provided, single submitter. Criteria: Invitae Variant Classification Sherloc (09022015). Collection method: clinical testing. Allele origin: germline.

Blueprint Genetics
Classification: Likely benign. Last evaluated: 2024-08-16. Review status: criteria provided, single submitter. Criteria: ACMG Guidelines, 2015. Collection method: clinical testing. Allele origin: germline.

PreventionGenetics, part of Exact Sciences
Classification: Likely benign for ATP2B2-related condition. Last evaluated: 2019-03-08. Review status: no assertion criteria provided. Collection method: clinical testing. Allele origin: germline. Not counted in ClinVar's aggregate classification.
Comment: This variant is classified as likely benign based on ACMG/AMP sequence variant interpretation guidelines (Richards et al. 2015 PMID: 25741868, with internal and published modifications).